The following is an entry in ClinVar:

NM_004655.4(AXIN2):c.1703A>T (p.Glu568Val)

Gene: AXIN2 (axin 2; minus strand). Cytogenetic location: 17q24.1.
Variant type: single nucleotide variant.
Coding change: c.1703A>T on transcript NM_004655.4 (MANE Select); coding-DNA position 1703, A replaced by T.
Protein change: p.Glu568Val; replaces glutamic acid 568 with valine.
Molecular consequence: missense variant.
Genome position (GRCh38, 1-based): chr17:65,537,333, T>A on the plus strand (A>T on the coding strand, the complement: AXIN2 is on the minus strand). VCF-style: chr17-65537333-T-A. GRCh37 (hg19) VCF-style: chr17-63533451-T-A.
Other names: c.1703A>T, p.Glu568Val (NM_001363813.1); short protein forms E568V.
Identifiers: ClinVar variation 3645896 (VCV003645896.2).
Genomic context (GRCh38, chr17:65,537,333, plus strand): 5'-TGGCTGGGAGACAAGCCCCACACGGGACACTGCGGTCCGCCCGGCACTTACCCAAACTGC[T>A]CGCTGGGCATGGTTTCCGGAGCCTTGGAGTGGCTTTTGCATTTCGAGTAGCAGTAATACT-3'
Protein context (NP_004646.3, residues 558-578): HSKAPETMPS[Glu568Val]QFGGSRGSTL

ClinVar aggregate classification (germline): Uncertain significance (1 of 4 stars; one submission).

Conditions:
Oligodontia-cancer predisposition syndrome. Also called: TOOTH AGENESIS-COLORECTAL CANCER SYNDROME. Identifiers: Orphanet 300576, MedGen C1837750, MONDO:0012075, OMIM 608615. Disease mechanism: loss of function.

Submission:

Labcorp Genetics (formerly Invitae), Labcorp
Classification: Uncertain significance for Oligodontia-cancer predisposition syndrome. Last evaluated: 2024-03-14. Review status: criteria provided, single submitter. Criteria: Invitae Variant Classification Sherloc (09022015). Collection method: clinical testing. Allele origin: germline.
Comment: This sequence change replaces glutamic acid, which is acidic and polar, with valine, which is neutral and non-polar, at codon 568 of the AXIN2 protein (p.Glu568Val). This variant is not present in population databases (gnomAD no frequency). This variant has not been reported in the literature in individuals affected with AXIN2-related conditions. Advanced modeling of protein sequence and biophysical properties (such as structural, functional, and spatial information, amino acid conservation, physicochemical variation, residue mobility, and thermodynamic stability) performed at Invitae indicates that this missense variant is not expected to disrupt AXIN2 protein function with a negative predictive value of 80%. In summary, the available evidence is currently insufficient to determine the role of this variant in disease. Therefore, it has been classified as a Variant of Uncertain Significance.